The following is an entry in ClinVar:

ClinVar aggregate classification (germline): Pathogenic (1 of 4 stars; one submission).

Submission:

Quest Diagnostics Nichols Institute San Juan Capistrano
Classification: Pathogenic. Last evaluated: 2024-06-27. Review status: criteria provided, single submitter. Criteria: ACMG/ClinGen CNV Guidelines, 2019. Collection method: clinical testing. Allele origin: unknown.
Comment: This copy number gain is consistent with the 7q11.23 recurrent region, triplosensitivity of which is associated with 7q11.23 duplication syndrome (ISCA-37392; OMIM 609757), for which variable expressivity is noted (Mervis et al., GeneReviews. [2021 Mar 25] PMID: 26610320; Sanders et al., Neuron. 2011 Jun 9;70(5):863-85. PMID: 21658581). Thus, this CNV is classified as pathogenic.

GRCh37/hg19 7q11.23(chr7:72701018-74143240)x3

Genes: ABHD11 (abhydrolase domain containing 11; minus strand), ABHD11-AS1 (ABHD11 antisense RNA 1 (tail to tail); plus strand), BAZ1B (bromodomain adjacent to zinc finger domain 1B; minus strand), BCL7B (BAF chromatin remodeling complex subunit BCL7B; minus strand), BUD23 (BUD23 rRNA methyltransferase and ribosome maturation factor; plus strand) and 22 more. Cytogenetic location: 7q11.23.
Variant type: copy number gain.
Change: copy number 3 (three copies instead of two) of chr7:72,701,018-74,143,240 (1.44 Mb, GRCh37 coordinates, 1-based), cytogenetic band 7q11.23.
Identifiers: ClinVar variation 563397 (VCV000563397.3).